The following is an entry in ClinVar:

ClinVar aggregate classification (germline): Likely benign (0 of 4 stars; one submission).

Conditions:
ARL6-related disorder. Also called: ARL6-related condition.

Submission:

PreventionGenetics, part of Exact Sciences
Classification: Likely benign for ARL6-related condition. Last evaluated: 2023-12-18. Review status: no assertion criteria provided. Collection method: clinical testing. Allele origin: germline.
Comment: This variant is classified as likely benign based on ACMG/AMP sequence variant interpretation guidelines (Richards et al. 2015 PMID: 25741868, with internal and published modifications).

NM_001278293.3(ARL6):c.535+10A>G

Gene: ARL6 (ARF like GTPase 6; plus strand). Cytogenetic location: 3q11.2.
Variant type: single nucleotide variant.
Coding change: c.535+10A>G on transcript NM_001278293.3 (MANE Select); 10 bases into the intron after coding-DNA position 535, A replaced by G.
Molecular consequence: intron variant.
Genome position (GRCh38, 1-based): chr3:97,791,836, A>G. VCF-style: chr3-97791836-A-G. GRCh37 (hg19) VCF-style: chr3-97510680-A-G.
Other names: c.535+10A>G (NM_032146.5, NM_177976.3, NM_001323513.2); c.479+3717A>G (NM_001323514.2).
Identifiers: ClinVar variation 3350068 (VCV003350068.1).